The following is an entry in ClinVar:

ClinVar aggregate classification (germline): Likely benign (1 of 4 stars; one submission).

Conditions:
FLG-related disorder. Also called: FLG-related disorders; FLG-related condition.

gnomAD v4.1: 19 of 1,613,998 alleles (0.0012%); highest among the groups gnomAD compares: South Asian, 0.015%; no homozygotes.

Submission:

PreventionGenetics, part of Exact Sciences
Classification: Likely benign for FLG-related condition. Last evaluated: 2026-02-26. Review status: criteria provided, single submitter. Criteria: ACMG Guidelines, 2015. Collection method: clinical testing. Allele origin: germline.
Comment: This variant is classified as likely benign based on ACMG/AMP sequence variant interpretation guidelines (Richards et al. 2015 PMID: 25741868, with internal and published modifications).

NM_002016.2(FLG):c.975G>T (p.Ala325=)

Genes: CCDST (cervical cancer associated DHX9 suppressive transcript; plus strand), FLG (filaggrin; minus strand). Cytogenetic location: 1q21.3.
Variant type: single nucleotide variant.
Coding change: c.975G>T on transcript NM_002016.2 (MANE Select); coding-DNA position 975, G replaced by T.
Protein change: p.Ala325=; no amino-acid change (alanine 325 retained).
Molecular consequence: synonymous variant. On other transcripts: non-coding transcript variant (1).
Genome position (GRCh38, 1-based): chr1:152,313,911, C>A on the plus strand (G>T on the coding strand, the complement: FLG is on the minus strand). VCF-style: chr1-152313911-C-A. GRCh37 (hg19) VCF-style: chr1-152286387-C-A.
Identifiers: ClinVar variation 4984544 (VCV004984544.1).
Genomic context (GRCh38, chr1:152,313,911, plus strand): 5'-ACTGGCTCTGTCTTCATCATGGGACCTGGGGTGTCTGGAGCCATCTCTTGACTGCTCCCA[C>A]GCAGATCCATGATGGTTTCTGGAAGCCGACCCAGAGTGCCTCTCAGAGTCTTCTGAGTGT-3'
Protein context (NP_002007.1, residues 315-335): GSASRNHHGS[Ala325=]WEQSRDGSRH